The following is an entry in ClinVar:

ClinVar aggregate classification (germline): Pathogenic (1 of 4 stars; one submission).

Submission:

Labcorp Genetics (formerly Invitae), Labcorp
Classification: Pathogenic. Last evaluated: 2023-04-16. Review status: criteria provided, single submitter. Criteria: Invitae Variant Classification Sherloc (09022015). Collection method: clinical testing. Allele origin: germline.
Comment: This variant is not present in population databases (gnomAD no frequency). This sequence change creates a premature translational stop signal (p.Val240Glyfs*61) in the ADAMTSL4 gene. It is expected to result in an absent or disrupted protein product. Loss-of-function variants in ADAMTSL4 are known to be pathogenic (PMID: 20564469, 28642162). This variant has not been reported in the literature in individuals affected with ADAMTSL4-related conditions. For these reasons, this variant has been classified as Pathogenic.

Literature cited by the submitters: PubMed 20564469; PubMed 28642162.

NM_019032.6(ADAMTSL4):c.718dup (p.Val240fs)

Genes: ADAMTSL4 (ADAMTS like 4; plus strand), ADAMTSL4-AS2 (ADAMTSL4 antisense RNA 2; minus strand). Cytogenetic location: 1q21.2.
Variant type: Duplication.
Coding change: c.718dup on transcript NM_019032.6 (MANE Select); coding-DNA position 718, one base duplicated (G; older notation c.718dupG).
Protein change: p.Val240fs; shifts the reading frame from valine 240.
Molecular consequence: frameshift variant.
Genome position (GRCh38, 1-based): chr1:150,553,709, G duplicated; the last of 2 consecutive G bases (chr1:150,553,708-150,553,709); duplicating either gives the same sequence. VCF-style (leftmost placement, unchanged base first): chr1-150553707-A-AG. GRCh37 (hg19) VCF-style: chr1-150526183-A-AG.
Other names: c.718dup, p.Val240fs (NM_001288607.2, NM_001288608.2, NM_001378596.1 and 1 more transcripts); short protein forms V240fs.
Identifiers: ClinVar variation 2856844 (VCV002856844.3), dbSNP rs2526609276, ClinGen allele CA2739275268.